The following is an entry in ClinVar:

NM_001379451.1(BCORL1):c.1508C>T (p.Pro503Leu)

Gene: BCORL1 (BCL6 corepressor like 1; plus strand). Cytogenetic location: Xq26.1.
Variant type: single nucleotide variant.
Coding change: c.1508C>T on transcript NM_001379451.1 (MANE Select); coding-DNA position 1508, C replaced by T.
Protein change: p.Pro503Leu; replaces proline 503 with leucine.
Molecular consequence: missense variant.
Genome position (GRCh38, 1-based): chrX:130,014,280, C>T. VCF-style: chrX-130014280-C-T. GRCh37 (hg19) VCF-style: chrX-129148256-C-T.
Other names: c.1508C>T, p.Pro503Leu (NM_001184772.3, NM_001379450.1, NM_021946.5); short protein forms P503L.
Identifiers: ClinVar variation 1806013 (VCV001806013.2), dbSNP rs1929229770, ClinGen allele CA414583422.

ClinVar aggregate classification (germline): Uncertain significance. Review status: criteria provided, multiple submitters, no conflicts (2 of 4 stars). 2 submissions from 2 submitters: Uncertain significance (2). Last evaluated 2025-04-01.

Conditions:
Shukla-Vernon syndrome. Identifiers: MedGen C5193146, MONDO:0026727, OMIM 301029.

Allele frequency attached by ClinVar (database versions not stated): gnomAD exomes 0.00001.

Submissions (2):

Ambry Genetics
Classification: Uncertain significance. Last evaluated: 2025-04-01. Review status: criteria provided, single submitter. Criteria: Ambry Variant Classification Scheme 2023. Collection method: clinical testing. Allele origin: germline.

Victorian Clinical Genetics Services, Murdoch Childrens Research Institute
Classification: Uncertain significance for Shukla-Vernon syndrome. Last evaluated: 2020-05-26. Review status: criteria provided, single submitter. Criteria: ACMG Guidelines, 2015. Collection method: clinical testing. Allele origin: germline. Inheritance: X-linked recessive inheritance. Affected: yes.
Comment: Based on the classification scheme VCGS_Germline_v1.1.1, this variant is classified as 3B-VUS. Following criteria are met: 0105 - The mechanism of disease for this gene is not clearly established. (N) 0109 - This gene is known to be associated with X-linked recessive disease. (N) 0200 - Variant is predicted to result in a missense amino acid change from proline to leucine (exon 3). (N) 0253 - Variant is hemizygous. (N) 0301 - Variant is absent from gnomAD. (P) 0502 - Missense variant with conflicting in silico predictions and/or uninformative conservation. (N) 0604 - Variant is not located in an established domain, motif, hotspot or informative constraint region. (N) 0705 - No comparable variants have previous evidence for pathogenicity. (N) 0807 - Variant has not previously been reported in a clinical context. (N) 0905 - No segregation evidence has been identified for this variant. (N) 1007 - No published functional evidence has been identified for this variant. (N) 1208 - Inheritance information for this variant is not currently available. (N) Legend: (P) - Pathogenic, (N) - Neutral, (B) - Benign